The following is an entry in ClinVar:

NM_001005242.3(PKP2):c.122C>T (p.Ala41Val)

Gene: PKP2 (plakophilin 2; minus strand). Cytogenetic location: 12p11.21.
Variant type: single nucleotide variant.
Coding change: c.122C>T on transcript NM_001005242.3 (MANE Select); coding-DNA position 122, C replaced by T.
Protein change: p.Ala41Val; replaces alanine 41 with valine.
Molecular consequence: missense variant.
Genome position (GRCh38, 1-based): chr12:32,896,610, G>A on the plus strand (C>T on the coding strand, the complement: PKP2 is on the minus strand). VCF-style: chr12-32896610-G-A. GRCh37 (hg19) VCF-style: chr12-33049544-G-A.
Other names: c.122C>T, p.Ala41Val (NM_004572.4); short protein forms A41V.
Identifiers: ClinVar variation 924247 (VCV000924247.3), dbSNP rs1220759009, ClinGen allele CA384371262.
Genomic context (GRCh38, chr12:32,896,610, plus strand): 5'-TGCACCTGCTCCTGGATCCGCAGGCTCTTGACTGTCTGGCCGCCGCGGCCGCTGCTCCCC[G>A]CCAGCTTCAGCTTGGCCTCGGAGGGCAGCGCCAGGCTGGAGCTGTCCAGTTGTCCCAGGA-3'
Protein context (NP_001005242.2, residues 31-51): ALPSEAKLKL[Ala41Val]GSSGRGGQTV

ClinVar aggregate classification (germline): Uncertain significance (1 of 4 stars; one submission).

Conditions:
Cardiomyopathy (CMYO). Also called: Cardiomyopathies. Identifiers: Orphanet 167848, MedGen C0878544, MONDO:0004994, HP:0001638. Inheritance: Various modes of inheritance.

Allele frequency attached by ClinVar (database versions not stated): gnomAD exomes below 0.00001.
gnomAD v4.1: 4 of 1,584,058 alleles (0.00025%); highest among the groups gnomAD compares: Admixed American, 0.0017%; no homozygotes.

Submission:

Color Diagnostics, LLC DBA Color Health
Classification: Uncertain significance for Cardiomyopathy. Last evaluated: 2020-02-06. Review status: criteria provided, single submitter. Criteria: ACMG Guidelines, 2015. Collection method: clinical testing. Allele origin: germline.
Comment: This missense variant replaces alanine with valine at codon 41 of the PKP2 protein. Computational prediction suggests that this variant may not impact protein structure and function (internally defined REVEL score threshold <= 0.5, PMID: 27666373). Splice site prediction tools suggest that this variant may not impact RNA splicing. To our knowledge, functional studies have not been performed for this variant. This variant has not been reported in individuals affected with cardiovascular disorders in the literature. This variant has not been identified in the general population by the Genome Aggregation Database (gnomAD). The available evidence is insufficient to determine the role of this variant in disease conclusively. Therefore, this variant is classified as a Variant of Uncertain Significance.